The following is an entry in ClinVar:

NM_007198.4(PLPBP):c.597+2dup

Gene: PLPBP (pyridoxal phosphate binding protein; plus strand). Cytogenetic location: 8p11.23.
Variant type: Duplication.
Coding change: c.597+2dup on transcript NM_007198.4 (MANE Select); the canonical splice donor site of the intron after coding-DNA position 597, one base duplicated (T; older notation c.597+2dupT).
Molecular consequence: splice donor variant.
Genome position (GRCh38, 1-based): chr8:37,775,483, T duplicated. VCF-style (leftmost placement, unchanged base first): chr8-37775482-G-GT. GRCh37 (hg19) VCF-style: chr8-37633000-G-GT.
Other names: c.627+2dup (NM_001349346.2); c.591+2dup (NM_001349347.2); c.441+2dup (NM_001349348.2).
Identifiers: ClinVar variation 2504328 (VCV002504328.1), dbSNP rs2487391933, ClinGen allele CA2580614328.

ClinVar aggregate classification (germline): Uncertain significance (1 of 4 stars; one submission).

Allele frequency attached by ClinVar (database versions not stated): gnomAD exomes below 0.00001.

Submission:

GeneDx
Classification: Uncertain significance. Last evaluated: 2022-12-01. Review status: criteria provided, single submitter. Criteria: GeneDx Variant Classification Process June 2021. Collection method: clinical testing. Allele origin: germline. Affected: yes.
Comment: Not observed at significant frequency in large population cohorts (gnomAD); In silico analysis supports a deleterious effect on splicing; Has not been previously published as pathogenic or benign to our knowledge